The following is an entry in ClinVar:

ClinVar aggregate classification (germline): Benign (1 of 4 stars; one submission).

Conditions:
SYNM-related disorder. Also called: SYNM-related condition.

Submission:

PreventionGenetics, part of Exact Sciences
Classification: Benign for SYNM-related condition. Last evaluated: 2019-10-17. Review status: criteria provided, single submitter. Criteria: ACMG Guidelines, 2015. Collection method: clinical testing. Allele origin: germline.
Comment: This variant is classified as benign based on ACMG/AMP sequence variant interpretation guidelines (Richards et al. 2015 PMID: 25741868, with internal and published modifications).

NM_145728.3(SYNM):c.3194T>C (p.Phe1065Ser)

Gene: SYNM (synemin; plus strand). Cytogenetic location: 15q26.3.
Variant type: single nucleotide variant.
Coding change: c.3194T>C on transcript NM_145728.3 (MANE Select); coding-DNA position 3194, T replaced by C.
Protein change: p.Phe1065Ser; replaces phenylalanine 1065 with serine.
Molecular consequence: missense variant.
Genome position (GRCh38, 1-based): chr15:99,131,554, T>C. VCF-style: chr15-99131554-T-C. GRCh37 (hg19) VCF-style: chr15-99671759-T-C.
Other names: c.3194T>C, p.Phe1065Ser (NM_015286.6); short protein forms F1065S.
Identifiers: ClinVar variation 3035872 (VCV003035872.1), dbSNP rs2543118290, ClinGen allele CA393667881.